The following is an entry in ClinVar:

ClinVar aggregate classification (germline): Benign/Likely benign. Review status: criteria provided, multiple submitters, no conflicts (2 of 4 stars). 3 submissions from 3 submitters: Benign (1); Likely benign (2). Last evaluated 2025-03-10.

Conditions:
Pheochromocytoma/paraganglioma syndrome 5. Also called: Paragangliomas 5; SDHA-Related Hereditary Paraganglioma-Pheochromocytoma Syndrome. Identifiers: Orphanet 29072, MedGen C3279992, MONDO:0013602, OMIM 614165.
Mitochondrial complex II deficiency, nuclear type 1. Also called: SUCCINATE CoQ REDUCTASE DEFICIENCY. Identifiers: Orphanet 3208, MedGen C5700310, MONDO:0100294, OMIM 252011.
Hereditary cancer-predisposing syndrome. Also called: Tumor predisposition; Neoplastic Syndromes, Hereditary; Hereditary Cancer Syndrome; Hereditary neoplastic syndrome. Identifiers: Orphanet 140162, MedGen C0027672, MeSH D009386, MONDO:0015356.

Allele frequency attached by ClinVar (database versions not stated): gnomAD exomes below 0.00001; TOPMed below 0.00001; ExAC 0.00001; gnomAD 0.00001.
gnomAD v4.1: 1 of 1,611,894 alleles (0.000062%); highest among the groups gnomAD compares: Non-Finnish European, 0.000085%; no homozygotes.

Submissions (3):

Myriad Genetics, Inc.
Classification: Benign for Pheochromocytoma/paraganglioma syndrome 5. Last evaluated: 2025-03-10. Review status: criteria provided, single submitter. Criteria: Myriad Autosomal Dominant, Autosomal Recessive and X-Linked Classification Criteria (2023). Collection method: clinical testing. Allele origin: unknown.
Comment: This variant is considered benign. This variant is a silent/synonymous amino acid change and it is not expected to impact splicing.

Ambry Genetics
Classification: Likely benign for Hereditary cancer-predisposing syndrome. Last evaluated: 2023-11-19. Review status: criteria provided, single submitter. Criteria: Ambry Variant Classification Scheme 2023. Collection method: clinical testing. Allele origin: germline.

Labcorp Genetics (formerly Invitae), Labcorp
Classification: Likely benign for Pheochromocytoma/paraganglioma syndrome 5; Mitochondrial complex II deficiency, nuclear type 1. Last evaluated: 2023-09-18. Review status: criteria provided, single submitter. Criteria: Invitae Variant Classification Sherloc (09022015). Collection method: clinical testing. Allele origin: germline.

NM_004168.4(SDHA):c.1575G>A (p.Val525=)

Gene: SDHA (succinate dehydrogenase complex flavoprotein subunit A; plus strand). Cytogenetic location: 5p15.33.
Variant type: single nucleotide variant.
Coding change: c.1575G>A on transcript NM_004168.4 (MANE Select); coding-DNA position 1575, G replaced by A.
Protein change: p.Val525=; no amino-acid change (valine 525 retained).
Molecular consequence: synonymous variant. On other transcripts: intron variant (1).
Genome position (GRCh38, 1-based): chr5:251,015, G>A. VCF-style: chr5-251015-G-A. GRCh37 (hg19) VCF-style: chr5-251130-G-A.
Other names: c.1431G>A, p.Val477= (NM_001294332.2); c.1552-3378G>A (NM_001330758.2); c.1575G>A (NM_004168.2).
Identifiers: ClinVar variation 701845 (VCV000701845.11), dbSNP rs766757653, ClinGen allele CA3173299.
Genomic context (GRCh38, chr5:251,015, plus strand): 5'-TGGATTAAAAGTTTACAAATAATATTTTGTGCCACAGTCAATGCAAAATCATGCTGCCGT[G>A]TTCCGTGTGGGAAGCGTGTTGCAAGAAGGTTGTGGGAAAATCAGCAAGCTCTATGGAGAC-3'
Protein context (NP_004159.2, residues 515-535): MQKSMQNHAA[Val525=]FRVGSVLQEG